The following is an entry in ClinVar:

ClinVar aggregate classification (germline): Uncertain significance (1 of 4 stars; one submission).

Submission:

Labcorp Genetics (formerly Invitae), Labcorp
Classification: Uncertain significance. Last evaluated: 2023-07-27. Review status: criteria provided, single submitter. Criteria: Invitae Variant Classification Sherloc (09022015). Collection method: clinical testing. Allele origin: germline.
Comment: Advanced modeling of protein sequence and biophysical properties (such as structural, functional, and spatial information, amino acid conservation, physicochemical variation, residue mobility, and thermodynamic stability) performed at Invitae indicates that this missense variant is expected to disrupt FBN3 protein function. In summary, the available evidence is currently insufficient to determine the role of this variant in disease. Therefore, it has been classified as a Variant of Uncertain Significance. This variant has not been reported in the literature in individuals affected with FBN3-related conditions. This variant is not present in population databases (gnomAD no frequency). This sequence change replaces cysteine, which is neutral and slightly polar, with serine, which is neutral and polar, at codon 1032 of the FBN3 protein (p.Cys1032Ser).

NM_032447.5(FBN3):c.3095G>C (p.Cys1032Ser)

Gene: FBN3 (fibrillin 3; minus strand). Cytogenetic location: 19p13.2.
Variant type: single nucleotide variant.
Coding change: c.3095G>C on transcript NM_032447.5 (MANE Select); coding-DNA position 3095, G replaced by C.
Protein change: p.Cys1032Ser; replaces cysteine 1032 with serine.
Molecular consequence: missense variant.
Genome position (GRCh38, 1-based): chr19:8,121,374, C>G on the plus strand (G>C on the coding strand, the complement: FBN3 is on the minus strand). VCF-style: chr19-8121374-C-G. GRCh37 (hg19) VCF-style: chr19-8186258-C-G.
Other names: c.3095G>C, p.Cys1032Ser (NM_001321431.2); short protein forms C1032S.
Identifiers: ClinVar variation 2983598 (VCV002983598.3), dbSNP rs2512856943, ClinGen allele CA403690577.